The following is an entry in ClinVar:

NM_020971.3(SPTBN4):c.5675G>A (p.Arg1892Gln)

Gene: SPTBN4 (spectrin beta, non-erythrocytic 4; plus strand). Cytogenetic location: 19q13.2.
Variant type: single nucleotide variant.
Coding change: c.5675G>A on transcript NM_020971.3 (MANE Select); coding-DNA position 5675, G replaced by A.
Protein change: p.Arg1892Gln; replaces arginine 1892 with glutamine.
Molecular consequence: missense variant.
Genome position (GRCh38, 1-based): chr19:40,560,163, G>A. VCF-style: chr19-40560163-G-A. GRCh37 (hg19) VCF-style: chr19-41066069-G-A.
Other names: c.5675G>A (NM_020971.2); c.1703G>A, p.Arg568Gln (NM_025213.3); short protein forms R1892Q, R568Q.
Identifiers: ClinVar variation 871296 (VCV000871296.45), dbSNP rs148976057, ClinGen allele CA9446582.
Genomic context (GRCh38, chr19:40,560,163, plus strand): 5'-GAGGGCACAGCCTGGGCCCCGTGGAGGGCTGGCGCCCGACCTGGCATGCCCTTCAGGTAC[G>A]GCAGCTGCAGGAGGGGGCGGCCCAGCTGCGGACGGTGTATGCGGGTGAACATGCCGAGGC-3'
Protein context (NP_066022.2, residues 1882-1902): HDLQLLVSQV[Arg1892Gln]QLQEGAAQLR

ClinVar aggregate classification (germline): Conflicting classifications of pathogenicity. Review status: criteria provided, conflicting classifications (1 of 4 stars). 4 submissions from 4 submitters: Uncertain significance (3); Likely benign (1). Last evaluated 2026-05-29.

Conditions:
Inborn genetic diseases. Identifiers: MedGen C0950123, MeSH D030342.
SPTBN4-related disorder. Also called: SPTBN4-related condition.

Allele frequency attached by ClinVar (database versions not stated): 1000 Genomes Project 30x 0.00031; 1000 Genomes Project 0.00040; gnomAD 0.00051 and 0.00052; gnomAD exomes 0.00061 and 0.00077; ExAC 0.00066; TOPMed 0.00066; ESP Exome Variant Server 0.00095.
gnomAD v4.1: 1,200 of 1,594,302 alleles (0.075%); highest among the groups gnomAD compares: Non-Finnish European, 0.095%; 1 homozygote.

Submissions (4):

PreventionGenetics, part of Exact Sciences
Classification: Uncertain significance for SPTBN4-related condition. Last evaluated: 2026-05-29. Review status: criteria provided, single submitter. Criteria: ACMG Guidelines, 2015. Collection method: clinical testing. Allele origin: germline.
Comment: The SPTBN4 c.5675G>A variant is predicted to result in the amino acid substitution p.Arg1892Gln. To our knowledge, this variant has not been reported in the literature. This variant is reported in 0.11% of alleles in individuals of European (non-Finnish) descent in gnomAD. Although we suspect that this variant may be benign, at this time, the clinical significance of this variant is uncertain due to the absence of conclusive functional and genetic evidence.

Blueprint Genetics
Classification: Likely benign. Last evaluated: 2024-11-18. Review status: criteria provided, single submitter. Criteria: ACMG Guidelines, 2015. Collection method: clinical testing. Allele origin: germline.

Ambry Genetics
Classification: Uncertain significance for Inborn genetic diseases. Last evaluated: 2022-04-07. Review status: criteria provided, single submitter. Criteria: Ambry Variant Classification Scheme 2023. Collection method: clinical testing. Allele origin: germline.
Comment: The c.5675G>A (p.R1892Q) alteration is located in exon 27 (coding exon 26) of the SPTBN4 gene. This alteration results from a G to A substitution at nucleotide position 5675, causing the arginine (R) at amino acid position 1892 to be replaced by a glutamine (Q). The p.R1892Q alteration is predicted to be tolerated by in silico analysis. Based on insufficient or conflicting evidence, the clinical significance of this alteration remains unclear.

CeGaT Center for Human Genetics Tuebingen
Classification: Uncertain significance. Last evaluated: 2020-01-01. Review status: criteria provided, single submitter. Criteria: CeGaT Center For Human Genetics Tuebingen Variant Classification Criteria Version 2. Collection method: clinical testing. Allele origin: germline. Affected: yes. Observed: 1 variant allele.